The following is an entry in ClinVar:

ClinVar aggregate classification (germline): Likely benign. Review status: criteria provided, multiple submitters, no conflicts (2 of 4 stars). 2 submissions from 2 submitters: Likely benign (2). Last evaluated 2024-09-29.

Conditions:
RYR1-related disorder. Also called: RYR1-related condition; RYR1-related disorders. Identifiers: MedGen CN239331.
Malignant hyperthermia, susceptibility to, 1 (MHS1). Also called: Malignant hyperthermia suceptibility 1; Anesthesia related hyperthermia; Malignant hyperpyrexia; Fulminating hyperpyrexia; Pharmacogenic myopathy; RYR1-Related Malignant Hyperthermia Susceptibility. Identifiers: Orphanet 423, MedGen C2930980, MONDO:0007783, OMIM 145600.

gnomAD v4.1: 7 of 1,614,094 alleles (0.00043%); highest among the groups gnomAD compares: African/African-American, 0.004%; no homozygotes.

Submissions (2):

Labcorp Genetics (formerly Invitae), Labcorp
Classification: Likely benign for RYR1-related disorder. Last evaluated: 2024-09-29. Review status: criteria provided, single submitter. Criteria: Invitae Variant Classification Sherloc (09022015). Collection method: clinical testing. Allele origin: germline.

All of Us Research Program, National Institutes of Health
Classification: Likely benign for Malignant hyperthermia, susceptibility to, 1. Last evaluated: 2024-07-10. Review status: criteria provided, single submitter. Criteria: ACMG Guidelines, 2015. Collection method: clinical testing. Allele origin: germline. Inheritance: Autosomal dominant inheritance. Observed: 1 variant allele, 1 heterozygote.
Comment: This study involves interpretation of variants in research participants for the purpose of population health screening. Participant phenotype was not available at the time of variant classification. Additional details can be found in publication PMID: 35346344, PMCID: PMC8962531

NM_000540.3(RYR1):c.3267C>T (p.Phe1089=)

Gene: RYR1 (ryanodine receptor 1; plus strand). Cytogenetic location: 19q13.2.
Variant type: single nucleotide variant.
Coding change: c.3267C>T on transcript NM_000540.3 (MANE Select); coding-DNA position 3267, C replaced by T.
Protein change: p.Phe1089=; no amino-acid change (phenylalanine 1089 retained).
Molecular consequence: synonymous variant.
Genome position (GRCh38, 1-based): chr19:38,467,698, C>T. VCF-style: chr19-38467698-C-T. GRCh37 (hg19) VCF-style: chr19-38958338-C-T.
Other names: c.3267C>T, p.Phe1089= (NM_001042723.2).
Identifiers: ClinVar variation 2905929 (VCV002905929.4), dbSNP rs1302567016, ClinGen allele CA507234665.